The following is an entry in ClinVar:

ClinVar aggregate classification (germline): Conflicting classifications of pathogenicity. Review status: criteria provided, conflicting classifications (1 of 4 stars). 7 submissions from 6 submitters: Uncertain significance (3); Benign (1); Likely benign (3). Last evaluated 2026-05-11.

Conditions:
Cardiovascular phenotype. Identifiers: MedGen CN230736.
Hereditary cancer-predisposing syndrome. Also called: Hereditary Cancer Syndrome; Neoplastic Syndromes, Hereditary; Tumor predisposition; Hereditary neoplastic syndrome. Identifiers: Orphanet 140162, MedGen C0027672, MeSH D009386, MONDO:0015356.
Neurofibromatosis, type 1 (NF1). Also called: Peripheral type neurofibromatosis; Neurofibromatosis, type I; VON RECKLINGHAUSEN DISEASE; NEUROFIBROMATOSIS, TYPE I, SOMATIC. Identifiers: Orphanet 636, MedGen C0027831, MONDO:0018975, OMIM 162200. Disease mechanism: loss of function.
Neurofibromatosis-Noonan syndrome (NFNS). Also called: NEUROFIBROMATOSIS WITH NOONAN PHENOTYPE. Identifiers: Orphanet 638, MedGen C2931482, MONDO:0011035, OMIM 601321. Disease mechanism: loss of function.
Café-au-lait macules with pulmonary stenosis (WTSN). Also called: PULMONIC STENOSIS WITH CAFE-AU-LAIT SPOTS. Identifiers: MedGen C0553586, MONDO:0008672, OMIM 193520.
Neurofibromatosis, familial spinal (FSNF). Identifiers: Orphanet 636, MedGen C1834235, MONDO:0008078, OMIM 162210. Disease mechanism: loss of function.
Juvenile myelomonocytic leukemia (JMML). Also called: LEUKEMIA, JUVENILE MYELOMONOCYTIC, SOMATIC. Identifiers: Orphanet 86834, MedGen C0349639, MONDO:0011908, OMIM 607785, HP:0012209.

Allele frequency attached by ClinVar (database versions not stated): gnomAD 0.00001; ExAC 0.00007; gnomAD exomes 0.00001 and 0.00006; TOPMed 0.00002.
gnomAD v4.1: 20 of 1,600,152 alleles (0.0012%); highest among the groups gnomAD compares: East Asian, 0.025%; no homozygotes.

Submissions (7):

Myriad Genetics, Inc.
Classification: Likely benign for Neurofibromatosis, type 1. Last evaluated: 2026-05-11. Review status: criteria provided, single submitter. Criteria: Myriad Autosomal Dominant, Autosomal Recessive and X-Linked Classification Criteria (2023). Collection method: clinical testing. Allele origin: unknown.
Comment: This variant is considered likely benign. This variant has been observed at a population frequency that is significantly greater than expected given the associated disease prevalence and penetrance.

Labcorp Genetics (formerly Invitae), Labcorp
Classification: Likely benign for Neurofibromatosis, type 1. Last evaluated: 2026-01-26. Review status: criteria provided, single submitter. Criteria: Invitae Variant Classification Sherloc (09022015). Collection method: clinical testing. Allele origin: germline.

Ambry Genetics
Classification: Benign for Cardiovascular phenotype; Hereditary cancer-predisposing syndrome. Last evaluated: 2022-09-19. Review status: criteria provided, single submitter. Criteria: Ambry Variant Classification Scheme 2023. Collection method: clinical testing. Allele origin: germline.

Genome Diagnostics Laboratory, The Hospital for Sick Children
Classification: Uncertain significance for Neurofibromatosis, type 1. Last evaluated: 2020-10-26. Review status: criteria provided, single submitter. Criteria: ACMG Guidelines, 2015. Collection method: clinical testing. Allele origin: germline. Affected: yes.

GeneDx
Classification: Likely benign. Last evaluated: 2020-09-02. Review status: criteria provided, single submitter. Criteria: GeneDx Variant Classification Process June 2021. Collection method: clinical testing. Allele origin: germline. Affected: yes.
Comment: In silico analysis supports that this missense variant has a deleterious effect on protein structure/function; Observed in individuals with breast cancer (Penkert 2018); Observed with a truncating NF1 variant, phase (cis or trans) unknown, in an individual with neurofibromatosis type 1 (Wu-Chou 2018); This variant is associated with the following publications: (PMID: 30086788, 30287823, 30290804)

Fulgent Genetics
Classification: Uncertain significance for Neurofibromatosis, type 1; Neurofibromatosis, familial spinal; Café-au-lait macules with pulmonary stenosis; Neurofibromatosis-Noonan syndrome; Juvenile myelomonocytic leukemia. Last evaluated: 2018-10-31. Review status: criteria provided, single submitter. Criteria: ACMG Guidelines, 2015. Collection method: clinical testing. Allele origin: unknown.

Ambry Genetics
Classification: Uncertain significance for Hereditary cancer-predisposing syndrome. Last evaluated: 2016-01-08. Review status: criteria provided, single submitter. Criteria: Ambry Autosomal Dominant and X-Linked criteria (10/2015). Collection method: clinical testing. Allele origin: germline. Observed: 1 variant allele.
Comment: The p.R192Q variant (also known as c.575G>A), located in coding exon 5 of the NF1 gene, results from a G to A substitution at nucleotide position 575. The arginine at codon 192 is replaced by glutamine, an amino acid with highly similar properties. This variant was not reported in population based cohorts in the following databases: Database of Single Nucleotide Polymorphisms (dbSNP), NHLBI Exome Sequencing Project (ESP), and 1000 Genomes Project.To date, this alteration has been detected with an allele frequency of approximately 0.003% (greater than 110000 alleles tested) in our clinical cohort. Based on protein sequence alignment, this amino acid position is highly conserved in available vertebrate species. In addition, the in silico prediction for this alteration is inconclusive. Since supporting evidence is limited at this time, the clinical significance of p.R192Q remains unclear.

NM_001042492.3(NF1):c.575G>A (p.Arg192Gln)

Gene: NF1 (neurofibromin 1; plus strand). Cytogenetic location: 17q11.2.
Variant type: single nucleotide variant.
Coding change: c.575G>A on transcript NM_001042492.3 (MANE Select); coding-DNA position 575, G replaced by A.
Protein change: p.Arg192Gln; replaces arginine 192 with glutamine.
Molecular consequence: missense variant.
Genome position (GRCh38, 1-based): chr17:31,169,986, G>A. VCF-style: chr17-31169986-G-A. GRCh37 (hg19) VCF-style: chr17-29497004-G-A.
Other names: c.575G>A, p.Arg192Gln (NM_000267.4, NM_001128147.3); short protein forms R192Q.
Identifiers: ClinVar variation 141341 (VCV000141341.20), dbSNP rs587781670, ClinGen allele CA165152.